The following is an entry in ClinVar:

ClinVar aggregate classification (germline): Uncertain significance (1 of 4 stars; one submission).

Allele frequency attached by ClinVar (database versions not stated): TOPMed below 0.00001; gnomAD 0.00001; gnomAD exomes 0.00001.
gnomAD v4.1: 11 of 1,210,109 alleles (0.00091%); highest among the groups gnomAD compares: South Asian, 0.0035%; no homozygotes.

Submission:

GeneDx
Classification: Uncertain significance. Last evaluated: 2022-05-05. Review status: criteria provided, single submitter. Criteria: GeneDx Variant Classification Process June 2021. Collection method: clinical testing. Allele origin: germline. Affected: yes.
Comment: Not observed at significant frequency in large population cohorts (gnomAD); In silico analysis supports that this missense variant does not alter protein structure/function; Has not been previously published as pathogenic or benign to our knowledge

NM_002025.4(AFF2):c.2278A>T (p.Met760Leu)

Gene: AFF2 (ALF transcription elongation factor 2; plus strand). Cytogenetic location: Xq28.
Variant type: single nucleotide variant.
Coding change: c.2278A>T on transcript NM_002025.4 (MANE Select); coding-DNA position 2278, A replaced by T.
Protein change: p.Met760Leu; replaces methionine 760 with leucine.
Molecular consequence: missense variant.
Genome position (GRCh38, 1-based): chrX:148,956,323, A>T. VCF-style: chrX-148956323-A-T. GRCh37 (hg19) VCF-style: chrX-148037853-A-T.
Other names: c.2179A>T, p.Met727Leu (NM_001169122.2); c.2248A>T, p.Met750Leu (NM_001169123.2); c.2173A>T, p.Met725Leu (NM_001169124.2); c.2161A>T, p.Met721Leu (NM_001169125.2); c.1201A>T, p.Met401Leu (NM_001170628.1); short protein forms M401L, M721L, M725L, M727L, M750L, M760L.
Identifiers: ClinVar variation 1723084 (VCV001723084.2), dbSNP rs2072039105, ClinGen allele CA414514626.
Genomic context (GRCh38, chrX:148,956,323, plus strand): 5'-GGAGGTAATACTGCCAAATCCAAGGAAATCTGTGGTGCCAGCCTGACCCTCAGCACCTTA[A>T]TGAGTAGCAGTGGCAGCAACAACAACTTATCCATCAGTAATGAAGAGCCAACATTTTCAC-3'
Protein context (NP_002016.2, residues 750-770): CGASLTLSTL[Met760Leu]SSSGSNNNLS